The following is an entry in ClinVar:

NM_003803.4(MYOM1):c.2324C>T (p.Ala775Val)

Gene: MYOM1 (myomesin 1; minus strand). Cytogenetic location: 18p11.31.
Variant type: single nucleotide variant.
Coding change: c.2324C>T on transcript NM_003803.4 (MANE Select); coding-DNA position 2324, C replaced by T.
Protein change: p.Ala775Val; replaces alanine 775 with valine.
Molecular consequence: missense variant.
Genome position (GRCh38, 1-based): chr18:3,134,710, G>A on the plus strand (C>T on the coding strand, the complement: MYOM1 is on the minus strand). VCF-style: chr18-3134710-G-A. GRCh37 (hg19) VCF-style: chr18-3134708-G-A.
Other names: c.2324C>T, p.Ala775Val (NM_019856.2); short protein forms A775V.
Identifiers: ClinVar variation 2057376 (VCV002057376.4), dbSNP rs765961982, ClinGen allele CA8874683.

ClinVar aggregate classification (germline): Uncertain significance (1 of 4 stars; one submission).

Conditions:
Hypertrophic cardiomyopathy. Also called: HYPERTROPHIC MYOCARDIOPATHY. Identifiers: Orphanet 217569, MedGen C0007194, MeSH D002312, MONDO:0005045, HP:0001639.

gnomAD v4.1: 22 of 1,613,728 alleles (0.0014%); highest among the groups gnomAD compares: Admixed American, 0.01%; no homozygotes.

Submission:

Labcorp Genetics (formerly Invitae), Labcorp
Classification: Uncertain significance for Hypertrophic cardiomyopathy. Last evaluated: 2025-12-08. Review status: criteria provided, single submitter. Criteria: Invitae Variant Classification Sherloc (09022015). Collection method: clinical testing. Allele origin: germline.
Comment: This sequence change replaces alanine, which is neutral and non-polar, with valine, which is neutral and non-polar, at codon 775 of the MYOM1 protein (p.Ala775Val). This variant is present in population databases (rs765961982, gnomAD 0.009%). This variant has not been reported in the literature in individuals affected with MYOM1-related conditions. ClinVar contains an entry for this variant (Variation ID: 2057376). Invitae Evidence Modeling of protein sequence and biophysical properties (such as structural, functional, and spatial information, amino acid conservation, physicochemical variation, residue mobility, and thermodynamic stability) indicates that this missense variant is not expected to disrupt MYOM1 protein function with a negative predictive value of 80%. Algorithms developed to predict the effect of sequence changes on RNA splicing suggest that this variant may disrupt the consensus splice site. In summary, the available evidence is currently insufficient to determine the role of this variant in disease. Therefore, it has been classified as a Variant of Uncertain Significance.